The following is an entry in ClinVar:

NM_001164508.2(NEB):c.36+1G>T

Gene: NEB (nebulin; minus strand). Cytogenetic location: 2q23.3.
Variant type: single nucleotide variant.
Coding change: c.36+1G>T on transcript NM_001164508.2 (MANE Select); the canonical splice donor site of the intron after coding-DNA position 36, G replaced by T.
Molecular consequence: splice donor variant.
Genome position (GRCh38, 1-based): chr2:151,733,120, C>A on the plus strand (G>T on the coding strand, the complement: NEB is on the minus strand). VCF-style: chr2-151733120-C-A. GRCh37 (hg19) VCF-style: chr2-152589634-C-A.
Other names: c.36+1G>T (NM_004543.5, NM_001164507.2, NM_001271208.2).
Identifiers: ClinVar variation 451718 (VCV000451718.2), dbSNP rs1553711195, ClinGen allele CA348797519.

ClinVar aggregate classification (germline): Likely pathogenic (1 of 4 stars; one submission).

Submission:

GeneDx
Classification: Likely pathogenic. Last evaluated: 2017-09-12. Review status: criteria provided, single submitter. Criteria: GeneDx Variant Classification (06012015). Collection method: clinical testing. Allele origin: germline. Affected: yes.
Comment: The c.36+1G>T variant in the NEB gene has not been reported previously as a pathogenic variant nor as a benign variant, to our knowledge. This splice site variant destroys the canonical splice donor site in intron 3. It is predicted to cause abnormal gene splicing, either leading to an abnormal message that is subject to nonsense-mediated mRNA decay, or to an abnormal protein product if the message is used for protein translation. The c.36+1G>T variant is not observed in large population cohorts (Lek et al., 2016; 1000 Genomes Consortium et al., 2015; Exome Variant Server). We interpret c.36+1G>T as a likely pathogenic variant.